The following is an entry in ClinVar:

ClinVar aggregate classification (germline): Benign/Likely benign. Review status: criteria provided, multiple submitters, no conflicts (2 of 4 stars). 3 submissions from 3 submitters: Benign (2); Likely benign (1). Last evaluated 2025-12-19.

Allele frequency attached by ClinVar (database versions not stated): gnomAD exomes 0.00060; 1000 Genomes Project 0.00100; 1000 Genomes Project 30x 0.00125; ExAC 0.00183.
gnomAD v4.1: 467 of 1,543,240 alleles (0.03%); highest among the groups gnomAD compares: Middle Eastern, 0.16%; no homozygotes.

Submissions (3):

Labcorp Genetics (formerly Invitae), Labcorp
Classification: Benign. Last evaluated: 2025-12-19. Review status: criteria provided, single submitter. Criteria: Invitae Variant Classification Sherloc (09022015). Collection method: clinical testing. Allele origin: germline.

Mayo Clinic Laboratories, Mayo Clinic
Classification: Likely benign. Last evaluated: 2025-04-08. Review status: criteria provided, single submitter. Criteria: ACMG Guidelines, 2015. Collection method: clinical testing. Allele origin: germline. Observed: 2 variant alleles.
Comment: BP4, BP7

Breakthrough Genomics
Classification: Benign. Review status: criteria provided, single submitter. Criteria: ACMG Guidelines, 2015. Collection method: not provided. Allele origin: germline. Inheritance: Autosomal recessive inheritance. Affected: yes.

NM_004715.5(CTDP1):c.2742G>T (p.Gly914=)

Gene: CTDP1 (CTD phosphatase subunit 1; plus strand). Cytogenetic location: 18q23.
Variant type: single nucleotide variant.
Coding change: c.2742G>T on transcript NM_004715.5 (MANE Select); coding-DNA position 2742, G replaced by T.
Protein change: p.Gly914=; no amino-acid change (glycine 914 retained).
Molecular consequence: synonymous variant. On other transcripts: missense variant (1), intron variant (1).
Genome position (GRCh38, 1-based): chr18:79,736,516, G>T. VCF-style: chr18-79736516-G-T. GRCh37 (hg19) VCF-style: chr18-77496516-G-T.
Other names: p.Gly914=; c.2385G>T, p.Gly795= (NM_001202504.1); c.2579G>T, p.Gly860Val (NM_048368.4); c.2580+7447G>T (NM_001318511.2); c.2742G>T (NM_004715.4); short protein forms G860V.
Identifiers: ClinVar variation 1538890 (VCV001538890.10), dbSNP rs145979721, ClinGen allele CA9010685.